The following is an entry in ClinVar:

NM_001354604.2(MITF):c.1376A>G (p.Asn459Ser)

Gene: MITF (melanocyte inducing transcription factor; plus strand). Cytogenetic location: 3p13.
Variant type: single nucleotide variant.
Coding change: c.1376A>G on transcript NM_001354604.2 (MANE Select); coding-DNA position 1376, A replaced by G.
Protein change: p.Asn459Ser; replaces asparagine 459 with serine.
Molecular consequence: missense variant.
Genome position (GRCh38, 1-based): chr3:69,965,043, A>G. VCF-style: chr3-69965043-A-G. GRCh37 (hg19) VCF-style: chr3-70014194-A-G.
Other names: c.1055A>G, p.Asn352Ser (NM_000248.4); c.1202A>G, p.Asn401Ser (NM_001184967.2, NM_001354608.2); c.1373A>G, p.Asn458Ser (NM_001354605.2); c.1355A>G, p.Asn452Ser (NM_001354606.2, NM_006722.3); c.1307A>G, p.Asn436Ser (NM_001354607.2); c.1037A>G, p.Asn346Ser (NM_198158.3); c.1358A>G, p.Asn453Ser (NM_198159.3); c.1310A>G, p.Asn437Ser (NM_198177.3); and 1 more; short protein forms N290S, N352S, N452S, N458S, N459S, N346S, N436S, N437S.
Identifiers: ClinVar variation 4825806 (VCV004825806.1).

ClinVar aggregate classification (germline): Uncertain significance (1 of 4 stars; one submission).

Conditions:
Hereditary cancer-predisposing syndrome. Also called: Neoplastic Syndromes, Hereditary; Tumor predisposition; Hereditary Cancer Syndrome; Hereditary neoplastic syndrome. Identifiers: Orphanet 140162, MedGen C0027672, MeSH D009386, MONDO:0015356.

Submission:

Ambry Genetics
Classification: Uncertain significance for Hereditary cancer-predisposing syndrome. Last evaluated: 2026-02-25. Review status: criteria provided, single submitter. Criteria: Ambry Variant Classification Scheme 2023. Collection method: clinical testing. Allele origin: germline.
Comment: The p.N352S variant (also known as c.1055A>G), located in coding exon 9 of the MITF gene, results from an A to G substitution at nucleotide position 1055. The asparagine at codon 352 is replaced by serine, an amino acid with highly similar properties. This amino acid position is conserved. In addition, this alteration is predicted to be tolerated by in silico analysis. Based on the available evidence, the clinical significance of this variant remains unclear.